The following is an entry in ClinVar:

NC_000017.11:g.(?_7454287)_(7454530_?)del

Gene: CHRNB1 (cholinergic receptor nicotinic beta 1 subunit; plus strand). Cytogenetic location: 17p13.1.
Variant type: Deletion.
Identifiers: ClinVar variation 651814 (VCV000651814.2).

ClinVar aggregate classification (germline): Pathogenic (1 of 4 stars; one submission).

Conditions:
Congenital myasthenic syndrome 2A. Also called: Myasthenic syndrome, congenital, 2a, slow-channel. Identifiers: Orphanet 590, MedGen C4225374, MONDO:0014581, OMIM 616313.

Submission:

Labcorp Genetics (formerly Invitae), Labcorp
Classification: Pathogenic for Myasthenic syndrome, congenital, 2a, slow-channel. Last evaluated: 2020-01-03. Review status: criteria provided, single submitter. Criteria: Invitae Variant Classification Sherloc (09022015). Collection method: clinical testing. Allele origin: germline.
Comment: This variant is an out-of-frame deletion of the genomic region encompassing exons 8 of the CHRNB1 gene. This is expected to create a premature translational stop signal and result in an absent or disrupted protein product. A similar deletion of exon 8 has been reported in a family affected with autosomal recessive congenital myasthenic syndrome (PMID: 10562302). Loss-of-function variants in CHRNB1 are known to be pathogenic (PMID: 10562302). For these reasons, this variant has been classified as Pathogenic.

Literature cited by the submitters: PubMed 10562302.